The following is an entry in ClinVar:

ClinVar aggregate classification (germline): Uncertain significance. Review status: criteria provided, multiple submitters, no conflicts (2 of 4 stars). 3 submissions from 3 submitters: Uncertain significance (2). 1 of the submissions does not count toward it. Last evaluated 2025-11-18.

Conditions:
DSCAML1-related disorder. Also called: DSCAML1-related condition.

gnomAD v4.1: 237 of 1,502,994 alleles (0.016%); highest among the groups gnomAD compares: Middle Eastern, 0.28%; no homozygotes.

Submissions (3):

Labcorp Genetics (formerly Invitae), Labcorp
Classification: Uncertain significance. Last evaluated: 2025-11-18. Review status: criteria provided, single submitter. Criteria: Invitae Variant Classification Sherloc (09022015). Collection method: clinical testing. Allele origin: germline.
Comment: This sequence change replaces alanine, which is neutral and non-polar, with valine, which is neutral and non-polar, at codon 2044 of the DSCAML1 protein (p.Ala2044Val). The frequency data for this variant in the population databases is considered unreliable, as metrics indicate poor data quality at this position in the gnomAD database. This variant has not been reported in the literature in individuals affected with DSCAML1-related conditions. ClinVar contains an entry for this variant (Variation ID: 2146956). An algorithm developed to predict the effect of missense changes on protein structure and function (PolyPhen-2) suggests that this variant is likely to be tolerated. In summary, the available evidence is currently insufficient to determine the role of this variant in disease. Therefore, it has been classified as a Variant of Uncertain Significance.

Ambry Genetics
Classification: Uncertain significance. Last evaluated: 2021-10-20. Review status: criteria provided, single submitter. Criteria: Ambry Variant Classification Scheme 2023. Collection method: clinical testing. Allele origin: germline.

PreventionGenetics, part of Exact Sciences
Classification: Benign for DSCAML1-related condition. Last evaluated: 2019-06-07. Review status: no assertion criteria provided. Collection method: clinical testing. Allele origin: germline. Not counted in ClinVar's aggregate classification.
Comment: This variant is classified as benign based on ACMG/AMP sequence variant interpretation guidelines (Richards et al. 2015 PMID: 25741868, with internal and published modifications).

NM_020693.4(DSCAML1):c.5951C>T (p.Ala1984Val)

Gene: DSCAML1 (DS cell adhesion molecule like 1; minus strand). Cytogenetic location: 11q23.3.
Variant type: single nucleotide variant.
Coding change: c.5951C>T on transcript NM_020693.4 (MANE Select); coding-DNA position 5951, C replaced by T.
Protein change: p.Ala1984Val; replaces alanine 1984 with valine.
Molecular consequence: missense variant.
Genome position (GRCh38, 1-based): chr11:117,428,539, G>A on the plus strand (C>T on the coding strand, the complement: DSCAML1 is on the minus strand). VCF-style: chr11-117428539-G-A. GRCh37 (hg19) VCF-style: chr11-117299255-G-A.
Other names: c.6131C>T (NM_020693.3, NM_020693.2); short protein forms A1984V.
Identifiers: ClinVar variation 2146956 (VCV002146956.7), dbSNP rs760492346, ClinGen allele CA6295913.